The following is an entry in ClinVar:

ClinVar aggregate classification (germline): Likely pathogenic (1 of 4 stars; one submission).

Submission:

GeneDx
Classification: Likely pathogenic. Last evaluated: 2017-03-20. Review status: criteria provided, single submitter. Criteria: GeneDx Variant Classification (06012015). Collection method: clinical testing. Allele origin: germline. Affected: yes.
Comment: The I1214T variant in the SMARCA4 gene has not been reported previously as a pathogenic variant, nor as a benign variant, to our knowledge. The I1214T variant is not observed in large population cohorts (Lek et al., 2016; 1000 Genomes Consortium et al., 2015; Exome Variant Server). The I1214T variant is a non-conservative amino acid substitution, which is likely to impact secondary protein structure as these residues differ in polarity, charge, size and/or other properties. This substitution occurs at a position that is conserved across species. In silico analysis predicts this variant is probably damaging to the protein structure/function. Therefore, we interpret I1214T as a likely pathogenic variant.

NM_003072.5(SMARCA4):c.3641T>C (p.Ile1214Thr)

Gene: SMARCA4 (SWI/SNF related, matrix associated, actin dependent regulator of chromatin, subfamily a, member 4; plus strand). Cytogenetic location: 19p13.2.
Variant type: single nucleotide variant.
Coding change: c.3641T>C on transcript NM_003072.5 (MANE Select); coding-DNA position 3641, T replaced by C.
Protein change: p.Ile1214Thr; replaces isoleucine 1214 with threonine.
Molecular consequence: missense variant. On other transcripts: non-coding transcript variant (1).
Genome position (GRCh38, 1-based): chr19:11,033,384, T>C. VCF-style: chr19-11033384-T-C. GRCh37 (hg19) VCF-style: chr19-11144060-T-C.
Other names: c.3641T>C, p.Ile1214Thr (NM_001128844.3, NM_001128845.2, NM_001128846.2 and 5 more transcripts); short protein forms I1214T.
Identifiers: ClinVar variation 424260 (VCV000424260.2), dbSNP rs1064796885, ClinGen allele CA16620734.